The following is an entry in ClinVar:

NM_020680.4(SCYL1):c.*9G>A

Genes: LTBP3 (latent transforming growth factor beta binding protein 3; minus strand), SCYL1 (SCY1 like pseudokinase 1; plus strand). Cytogenetic location: 11q13.1.
Variant type: single nucleotide variant.
Coding change: c.*9G>A on transcript NM_020680.4 (MANE Select); 9 bases downstream of the stop codon, G replaced by A.
Molecular consequence: 3 prime UTR variant.
Genome position (GRCh38, 1-based): chr11:65,538,575, G>A. VCF-style: chr11-65538575-G-A. GRCh37 (hg19) VCF-style: chr11-65306046-G-A.
Other names: c.*505C>T (NM_001130144.3, NM_001164266.1, NM_021070.4); c.*9G>A (NM_001048218.2, NM_001425179.1, NM_001425180.1 and 18 more transcripts); c.*35G>A (NM_001411022.1, NM_001425185.1, NM_001425186.1 and 9 more transcripts); c.*166G>A (NM_001425196.1, NM_001425198.1).
Identifiers: ClinVar variation 5001012 (VCV005001012.1).

ClinVar aggregate classification (germline): Likely benign (1 of 4 stars; one submission).

Conditions:
SCYL1-related disorder. Also called: SCYL1-related condition.

gnomAD v4.1: 8 of 1,607,574 alleles (0.0005%); highest among the groups gnomAD compares: African/African-American, 0.0067%; no homozygotes.

Submission:

PreventionGenetics, part of Exact Sciences
Classification: Likely benign for SCYL1-related condition. Last evaluated: 2026-06-11. Review status: criteria provided, single submitter. Criteria: ACMG Guidelines, 2015. Collection method: clinical testing. Allele origin: germline.
Comment: This variant is classified as likely benign based on ACMG/AMP sequence variant interpretation guidelines (Richards et al. 2015 PMID: 25741868, with internal and published modifications).